The following is an entry in ClinVar:

ClinVar aggregate classification (germline): Uncertain significance (1 of 4 stars; one submission).

Conditions:
Kabuki syndrome. Also called: NIIKAWA-KUROKI SYNDROME; Kabuki make-up syndrome. Identifiers: Orphanet 2322, MedGen C0796004, MONDO:0016512.

Submission:

Labcorp Genetics (formerly Invitae), Labcorp
Classification: Uncertain significance for Kabuki syndrome. Last evaluated: 2025-08-06. Review status: criteria provided, single submitter. Criteria: Invitae Variant Classification Sherloc (09022015). Collection method: clinical testing. Allele origin: germline.
Comment: This sequence change replaces lysine, which is basic and polar, with methionine, which is neutral and non-polar, at codon 2162 of the KMT2D protein (p.Lys2162Met). This variant is not present in population databases (gnomAD no frequency). This variant has not been reported in the literature in individuals affected with KMT2D-related conditions. ClinVar contains an entry for this variant (Variation ID: 1435144). Invitae Evidence Modeling of protein sequence and biophysical properties (such as structural, functional, and spatial information, amino acid conservation, physicochemical variation, residue mobility, and thermodynamic stability) indicates that this missense variant is expected to disrupt KMT2D protein function with a positive predictive value of 80%. In summary, the available evidence is currently insufficient to determine the role of this variant in disease. Therefore, it has been classified as a Variant of Uncertain Significance.

NM_003482.4(KMT2D):c.6485A>T (p.Lys2162Met)

Gene: KMT2D (lysine methyltransferase 2D; minus strand). Cytogenetic location: 12q13.12.
Variant type: single nucleotide variant.
Coding change: c.6485A>T on transcript NM_003482.4 (MANE Select); coding-DNA position 6485, A replaced by T.
Protein change: p.Lys2162Met; replaces lysine 2162 with methionine.
Molecular consequence: missense variant.
Genome position (GRCh38, 1-based): chr12:49,041,285, T>A on the plus strand (A>T on the coding strand, the complement: KMT2D is on the minus strand). VCF-style: chr12-49041285-T-A. GRCh37 (hg19) VCF-style: chr12-49435068-T-A.
Other names: short protein forms K2162M.
Identifiers: ClinVar variation 1435144 (VCV001435144.6), dbSNP rs1286165531, ClinGen allele CA384750700.